The following is an entry in ClinVar:

ClinVar aggregate classification (germline): Uncertain significance (1 of 4 stars; one submission).

Conditions:
Brugada syndrome. Also called: Sudden unexplained nocturnal death syndrome; Sudden unexpected nocturnal death syndrome; Sudden Unexplained Death Syndrome; Sudden Unexplained Nocturnal Death Syndrome (SUNDS). Identifiers: Orphanet 130, MedGen C1142166, MONDO:0015263.

Submission:

Labcorp Genetics (formerly Invitae), Labcorp
Classification: Uncertain significance for Brugada syndrome. Last evaluated: 2025-07-29. Review status: criteria provided, single submitter. Criteria: Invitae Variant Classification Sherloc (09022015). Collection method: clinical testing. Allele origin: germline.
Comment: This sequence change replaces methionine, which is neutral and non-polar, with threonine, which is neutral and polar, at codon 1298 of the SCN10A protein (p.Met1298Thr). This variant is present in population databases (rs377708853, gnomAD 0.004%). This variant has not been reported in the literature in individuals affected with SCN10A-related conditions. ClinVar contains an entry for this variant (Variation ID: 3613850). Invitae Evidence Modeling of protein sequence and biophysical properties (such as structural, functional, and spatial information, amino acid conservation, physicochemical variation, residue mobility, and thermodynamic stability) indicates that this missense variant is expected to disrupt SCN10A protein function with a positive predictive value of 80%. In summary, the available evidence is currently insufficient to determine the role of this variant in disease. Therefore, it has been classified as a Variant of Uncertain Significance.

NM_006514.4(SCN10A):c.3893T>C (p.Met1298Thr)

Gene: SCN10A (sodium voltage-gated channel alpha subunit 10; minus strand). Cytogenetic location: 3p22.2.
Variant type: single nucleotide variant.
Coding change: c.3893T>C on transcript NM_006514.4 (MANE Select); coding-DNA position 3893, T replaced by C.
Protein change: p.Met1298Thr; replaces methionine 1298 with threonine.
Molecular consequence: missense variant.
Genome position (GRCh38, 1-based): chr3:38,712,357, A>G on the plus strand (T>C on the coding strand, the complement: SCN10A is on the minus strand). VCF-style: chr3-38712357-A-G. GRCh37 (hg19) VCF-style: chr3-38753848-A-G.
Other names: c.3890T>C, p.Met1297Thr (NM_001293306.2); c.3599T>C, p.Met1200Thr (NM_001293307.2); short protein forms M1200T, M1297T, M1298T.
Identifiers: ClinVar variation 3613850 (VCV003613850.2).
Genomic context (GRCh38, chr3:38,712,357, plus strand): 5'-AACTCTCCATCGGTATAGTTGATGCACCTCCAAAACTTCCCTGCGAAGAGGTTCACACCC[A>G]TGATGCTGAAGATGAGCCAGAAGATGAGGCAGACGAGGAGGACATTCATGATGGATGGGA-3'
Protein context (NP_006505.4, residues 1288-1308): CLIFWLIFSI[Met1298Thr]GVNLFAGKFW